The following is an entry in ClinVar:

ClinVar aggregate classification (germline): Uncertain significance (1 of 4 stars; one submission).

Conditions:
Inborn genetic diseases. Identifiers: MedGen C0950123, MeSH D030342.

gnomAD v4.1: 1 of 1,589,756 alleles (0.000063%); highest among the groups gnomAD compares: Non-Finnish European, 0.000085%; no homozygotes.

Submission:

Ambry Genetics
Classification: Uncertain significance for Inborn genetic diseases. Last evaluated: 2025-12-26. Review status: criteria provided, single submitter. Criteria: Ambry Variant Classification Scheme 2023. Collection method: clinical testing. Allele origin: germline.
Comment: The p.P1299S variant (also known as c.3895C>T), located in coding exon 34 of the RTEL1 gene, results from a C to T substitution at nucleotide position 3895. The proline at codon 1299 is replaced by serine, an amino acid with similar properties. This amino acid position is conserved. In addition, the in silico prediction for this alteration is inconclusive. Based on the available evidence, the clinical significance of this variant remains unclear.

NM_001283009.2(RTEL1):c.3895C>T (p.Pro1299Ser)

Genes: RTEL1 (regulator of telomere elongation helicase 1; plus strand), RTEL1-TNFRSF6B (RTEL1-TNFRSF6B readthrough (NMD candidate); plus strand). Cytogenetic location: 20q13.33.
Variant type: single nucleotide variant.
Coding change: c.3895C>T on transcript NM_001283009.2 (MANE Select); coding-DNA position 3895, C replaced by T.
Protein change: p.Pro1299Ser; replaces proline 1299 with serine.
Molecular consequence: missense variant. On other transcripts: non-coding transcript variant (1), 3 prime UTR variant (3).
Genome position (GRCh38, 1-based): chr20:63,695,850, C>T. VCF-style: chr20-63695850-C-T. GRCh37 (hg19) VCF-style: chr20-62327203-C-T.
Other names: c.*65C>T (NM_001283010.1, NM_016434.4, NM_032957.5); short protein forms P1299S.
Identifiers: ClinVar variation 4844079 (VCV004844079.1).